The following is an entry in ClinVar:

ClinVar aggregate classification (germline): Pathogenic. Review status: reviewed by expert panel (3 of 4 stars). 6 submissions from 6 submitters: Pathogenic (1). 5 of the submissions do not count toward it. Last evaluated 2016-09-08.

Conditions:
Hereditary cancer-predisposing syndrome. Also called: Tumor predisposition; Neoplastic Syndromes, Hereditary; Hereditary Cancer Syndrome; Hereditary neoplastic syndrome. Identifiers: Orphanet 140162, MedGen C0027672, MeSH D009386, MONDO:0015356.
Hereditary breast ovarian cancer syndrome. Also called: Hereditary breast and ovarian cancer syndrome (HBOC); Hereditary breast and ovarian cancer syndrome; Hereditary breast and ovarian cancer; Hereditary breast and/or ovarian cancer syndrome; Breast and ovarian cancer; BRCA1- and BRCA2-Associated Hereditary Breast and Ovarian Cancer. Identifiers: Orphanet 145, MedGen C0677776, MeSH D061325, MONDO:0003582. Disease mechanism: loss of function.
Breast-ovarian cancer, familial, susceptibility to, 1 (BROVCA1). Also called: OVARIAN CANCER, SUSCEPTIBILITY TO; BRCA1 Hereditary Breast and Ovarian Cancer. Identifiers: Orphanet 145, MedGen C2676676, MONDO:0011450, OMIM 604370. Disease mechanism: loss of function.

Submissions (6):

Evidence-based Network for the Interpretation of Germline Mutant Alleles (ENIGMA)
Classification: Pathogenic for Breast-ovarian cancer, familial, susceptibility to, 1. Last evaluated: 2016-09-08. Review status: reviewed by expert panel. Criteria: ENIGMA BRCA1/2 Classification Criteria (2015). Collection method: curation. Allele origin: germline.
Comment: Variant allele predicted to encode a truncated non-functional protein.

Molecular Pathology, Peter Maccallum Cancer Centre
Classification: Pathogenic for Breast-ovarian cancer, familial, susceptibility to, 1. Last evaluated: 2024-12-05. Review status: criteria provided, single submitter. Criteria: ACMG Guidelines, 2015. Collection method: clinical testing. Allele origin: germline. Inheritance: Autosomal dominant inheritance. Not counted in ClinVar's aggregate classification.

Ambry Genetics
Classification: Pathogenic for Hereditary cancer-predisposing syndrome. Last evaluated: 2024-05-27. Review status: criteria provided, single submitter. Criteria: Ambry Variant Classification Scheme 2023. Collection method: clinical testing. Allele origin: germline. Not counted in ClinVar's aggregate classification.
Comment: The p.E849* pathogenic mutation (also known as c.2545G>T), located in coding exon 9 of the BRCA1 gene, results from a G to T substitution at nucleotide position 2545. This changes the amino acid from a glutamic acid to a stop codon within coding exon 9. This alteration is expected to result in loss of function by premature protein truncation or nonsense-mediated mRNA decay. As such, this alteration is interpreted as a disease-causing mutation.

Labcorp Genetics (formerly Invitae), Labcorp
Classification: Pathogenic for Hereditary breast ovarian cancer syndrome. Last evaluated: 2021-02-10. Review status: criteria provided, single submitter. Criteria: Invitae Variant Classification Sherloc (09022015). Collection method: clinical testing. Allele origin: germline. Not counted in ClinVar's aggregate classification.
Comment: For these reasons, this variant has been classified as Pathogenic. This variant has been observed in individual(s) with an increased risk of breast and/or ovarian cancer (PMID: 29446198). ClinVar contains an entry for this variant (Variation ID: 54595). This variant is not present in population databases (ExAC no frequency). This sequence change creates a premature translational stop signal (p.Glu849*) in the BRCA1 gene. It is expected to result in an absent or disrupted protein product. Loss-of-function variants in BRCA1 are known to be pathogenic (PMID: 20104584).

Consortium of Investigators of Modifiers of BRCA1/2 (CIMBA), c/o University of Cambridge
Classification: Pathogenic for Breast-ovarian cancer, familial, susceptibility to, 1. Last evaluated: 2015-10-02. Review status: criteria provided, single submitter. Criteria: CIMBA Mutation Classification guidelines May 2016. Collection method: clinical testing. Allele origin: germline. Not counted in ClinVar's aggregate classification.

Breast Cancer Information Core (BIC) (BRCA1)
Classification: Pathogenic for Breast-ovarian cancer, familial 1. Last evaluated: 2002-05-29. Review status: no assertion criteria provided. Collection method: clinical testing. Allele origin: germline. Affected: yes. Observed: 1 variant allele. Not counted in ClinVar's aggregate classification.

Literature cited by the submitters: PubMed 29446198 (cited by Labcorp Genetics (formerly Invitae), Labcorp); PubMed 20104584 (cited by Labcorp Genetics (formerly Invitae), Labcorp).

NM_007294.4(BRCA1):c.2545G>T (p.Glu849Ter)

Gene: BRCA1 (BRCA1 DNA repair associated; minus strand). Cytogenetic location: 17q21.31.
Variant type: single nucleotide variant.
Coding change: c.2545G>T on transcript NM_007294.4 (MANE Select); coding-DNA position 2545, G replaced by T.
Protein change: p.Glu849Ter; replaces glutamic acid 849 with a stop codon.
Molecular consequence: nonsense. On other transcripts: intron variant (137).
Genome position (GRCh38, 1-based): chr17:43,092,986, C>A on the plus strand (G>T on the coding strand, the complement: BRCA1 is on the minus strand). VCF-style: chr17-43092986-C-A. GRCh37 (hg19) VCF-style: chr17-41245003-C-A.
Other names: c.2281G>T, p.Glu761Ter (NM_001407920.1, NM_001407921.1, NM_001407922.1 and 9 more transcripts); c.2278G>T, p.Glu760Ter (NM_001407930.1, NM_001407931.1, NM_001407932.1 and 2 more transcripts); c.2422G>T, p.Glu808Ter (NM_001407937.1, NM_001407938.1, NM_001407939.1 and 19 more transcripts); c.2419G>T, p.Glu807Ter (NM_001407940.1, NM_001407941.1, NM_001407649.1 and 11 more transcripts); c.2404G>T, p.Glu802Ter (NM_001407942.1, NM_001407944.1, NM_001407945.1 and 29 more transcripts); c.2401G>T, p.Glu801Ter (NM_001407943.1, NM_001407964.1, NM_001407740.1 and 20 more transcripts); c.2212G>T, p.Glu738Ter (NM_001407946.1, NM_001407947.1, NM_001407948.1 and 6 more transcripts); c.2209G>T, p.Glu737Ter (NM_001407954.1, NM_001407955.1, NM_001407956.1 and 1 more transcripts); and 41 more; short protein forms E849*, E802*, E681*, E823*, E553*, E721*, E778*, E782*.
Identifiers: ClinVar variation 54595 (VCV000054595.20), dbSNP rs80356951, ClinGen allele CA001680.